The following is an entry in ClinVar:

ClinVar aggregate classification (germline): Uncertain significance (1 of 4 stars; one submission).

Allele frequency attached by ClinVar (database versions not stated): TOPMed 0.00002; gnomAD exomes 0.00001; gnomAD 0.00001; ExAC 0.00003.
gnomAD v4.1: 10 of 1,581,028 alleles (0.00063%); highest among the groups gnomAD compares: Non-Finnish European, 0.00086%; no homozygotes.

Submission:

Labcorp Genetics (formerly Invitae), Labcorp
Classification: Uncertain significance. Last evaluated: 2025-11-18. Review status: criteria provided, single submitter. Criteria: Invitae Variant Classification Sherloc (09022015). Collection method: clinical testing. Allele origin: germline.
Comment: This sequence change replaces alanine, which is neutral and non-polar, with threonine, which is neutral and polar, at codon 570 of the RIMS1 protein (p.Ala570Thr). The frequency data for this variant in the population databases is considered unreliable, as metrics indicate poor data quality at this position in the gnomAD database. This variant has not been reported in the literature in individuals affected with RIMS1-related conditions. ClinVar contains an entry for this variant (Variation ID: 2984823). An algorithm developed to predict the effect of missense changes on protein structure and function outputs the following: PolyPhen-2: "Benign". The threonine amino acid residue is found in multiple mammalian species, which suggests that this missense change does not adversely affect protein function. In summary, the available evidence is currently insufficient to determine the role of this variant in disease. Therefore, it has been classified as a Variant of Uncertain Significance.

NM_014989.7(RIMS1):c.1708G>A (p.Ala570Thr)

Gene: RIMS1 (regulating synaptic membrane exocytosis 1; plus strand). Cytogenetic location: 6q13.
Variant type: single nucleotide variant.
Coding change: c.1708G>A on transcript NM_014989.7 (MANE Select); coding-DNA position 1708, G replaced by A.
Protein change: p.Ala570Thr; replaces alanine 570 with threonine.
Molecular consequence: missense variant. On other transcripts: 5 prime UTR variant (9).
Genome position (GRCh38, 1-based): chr6:72,233,802, G>A. VCF-style: chr6-72233802-G-A. GRCh37 (hg19) VCF-style: chr6-72943505-G-A.
Other names: c.130G>A, p.Ala44Thr (NM_001168407.2, NM_001168408.2, NM_001350414.2 and 37 more transcripts); c.-114G>A (NM_001168409.2, NM_001350461.2, NM_001350463.2 and 6 more transcripts); c.85G>A, p.Ala29Thr (NM_001168410.2, NM_001350470.2, NM_001350472.2 and 2 more transcripts); c.61G>A, p.Ala21Thr (NM_001350421.2, NM_001350424.2, NM_001350428.2 and 6 more transcripts); short protein forms A21T, A29T, A570T, A44T.
Identifiers: ClinVar variation 2984823 (VCV002984823.3), dbSNP rs35445598, ClinGen allele CA3885782.